The following is an entry in ClinVar:

ClinVar aggregate classification (germline): Benign. Review status: criteria provided, multiple submitters, no conflicts (2 of 4 stars). 3 submissions from 3 submitters: Benign (3). Last evaluated 2026-01-26.

Conditions:
VAC14-related disorder. Also called: VAC14-related condition.

Allele frequency attached by ClinVar (database versions not stated): gnomAD exomes 0.00061 and 0.00188; ExAC 0.00239; gnomAD 0.00683 and 0.00719; TOPMed 0.00763; ESP Exome Variant Server 0.00793; 1000 Genomes Project 0.00859; 1000 Genomes Project 30x 0.00921.
gnomAD v4.1: 1,950 of 1,591,820 alleles (0.12%); highest among the groups gnomAD compares: African/African-American, 2.4%; 23 homozygotes.

Submissions (3):

Labcorp Genetics (formerly Invitae), Labcorp
Classification: Benign. Last evaluated: 2026-01-26. Review status: criteria provided, single submitter. Criteria: Invitae Variant Classification Sherloc (09022015). Collection method: clinical testing. Allele origin: germline.

PreventionGenetics, part of Exact Sciences
Classification: Benign for VAC14-related condition. Last evaluated: 2025-10-18. Review status: criteria provided, single submitter. Criteria: ACMG Guidelines, 2015. Collection method: clinical testing. Allele origin: germline.
Comment: This variant is classified as benign based on ACMG/AMP sequence variant interpretation guidelines (Richards et al. 2015 PMID: 25741868, with internal and published modifications).

Breakthrough Genomics
Classification: Benign. Review status: criteria provided, single submitter. Criteria: ACMG Guidelines, 2015. Collection method: not provided. Allele origin: germline. Inheritance: Autosomal recessive inheritance. Affected: yes.

NM_018052.5(VAC14):c.2309G>A (p.Ser770Asn)

Gene: VAC14 (VAC14 component of PIKFYVE complex; minus strand). Cytogenetic location: 16q22.1.
Variant type: single nucleotide variant.
Coding change: c.2309G>A on transcript NM_018052.5 (MANE Select); coding-DNA position 2309, G replaced by A.
Protein change: p.Ser770Asn; replaces serine 770 with asparagine.
Molecular consequence: missense variant.
Genome position (GRCh38, 1-based): chr16:70,687,968, C>T on the plus strand (G>A on the coding strand, the complement: VAC14 is on the minus strand). VCF-style: chr16-70687968-C-T. GRCh37 (hg19) VCF-style: chr16-70721871-C-T.
Other names: c.1607G>A, p.Ser536Asn (NM_001351157.2); short protein forms S536N, S770N.
Identifiers: ClinVar variation 785538 (VCV000785538.12), dbSNP rs115386886, ClinGen allele CA8147327.